The following is an entry in ClinVar:

NM_001379200.1(TBX1):c.115G>A (p.Ala39Thr)

Gene: TBX1 (T-box transcription factor 1; plus strand). Cytogenetic location: 22q11.21.
Variant type: single nucleotide variant.
Coding change: c.115G>A on transcript NM_001379200.1 (MANE Select); coding-DNA position 115, G replaced by A.
Protein change: p.Ala39Thr; replaces alanine 39 with threonine.
Molecular consequence: missense variant.
Genome position (GRCh38, 1-based): chr22:19,760,958, G>A. VCF-style: chr22-19760958-G-A. GRCh37 (hg19) VCF-style: chr22-19748481-G-A.
Other names: c.88G>A, p.Ala30Thr (NM_005992.1, NM_080646.2, NM_080647.1); short protein forms A30T, A39T.
Identifiers: ClinVar variation 2161461 (VCV002161461.4), dbSNP rs1461099560, ClinGen allele CA410681181.

ClinVar aggregate classification (germline): Uncertain significance (1 of 4 stars; one submission).

Conditions:
DiGeorge syndrome. Also called: THIRD AND FOURTH PHARYNGEAL POUCH SYNDROME; Catch22. Identifiers: Orphanet 567, MedGen C0012236, MONDO:0008564, OMIM 188400.

Allele frequency attached by ClinVar (database versions not stated): gnomAD 0.00001; TOPMed 0.00001.
gnomAD v4.1: 4 of 994,212 alleles (0.0004%); highest among the groups gnomAD compares: South Asian, 0.0039%; no homozygotes.

Submission:

Labcorp Genetics (formerly Invitae), Labcorp
Classification: Uncertain significance for DiGeorge syndrome. Last evaluated: 2023-11-27. Review status: criteria provided, single submitter. Criteria: Invitae Variant Classification Sherloc (09022015). Collection method: clinical testing. Allele origin: germline.
Comment: This sequence change replaces alanine, which is neutral and non-polar, with threonine, which is neutral and polar, at codon 30 of the TBX1 protein (p.Ala30Thr). The frequency data for this variant in the population databases is considered unreliable, as metrics indicate insufficient coverage at this position in the gnomAD database. This variant has not been reported in the literature in individuals affected with TBX1-related conditions. ClinVar contains an entry for this variant (Variation ID: 2161461). Experimental studies and prediction algorithms are not available or were not evaluated, and the functional significance of this variant is currently unknown. In summary, the available evidence is currently insufficient to determine the role of this variant in disease. Therefore, it has been classified as a Variant of Uncertain Significance.